The following is an entry in ClinVar:

ClinVar aggregate classification (germline): Pathogenic/Likely pathogenic. Review status: criteria provided, multiple submitters, no conflicts (2 of 4 stars). 4 submissions from 4 submitters: Pathogenic (1); Likely pathogenic (3). Last evaluated 2025-10-31.

Conditions:
Mucopolysaccharidosis type 6 (MPS6). Also called: N-ACETYLGALACTOSAMINE-4-SULFATASE DEFICIENCY; MPS VI; MPS 6; Maroteaux Lamy syndrome; ARSB DEFICIENCY; ARYLSULFATASE B DEFICIENCY. Identifiers: Orphanet 583, MedGen C0026709, MONDO:0009661, OMIM 253200.

Submissions (4):

Natera, Inc.
Classification: Likely pathogenic for Mucopolysaccharidosis type VI. Last evaluated: 2025-10-31. Review status: criteria provided, single submitter. Criteria: Natera Variant Classification Schema (03/2026). Collection method: clinical testing. Allele origin: germline.
Comment: The c.108_120del variant in ARSB is a frameshift variant predicted to shift the reading frame beginning at codon 37 and leads to a stop codon 15 codons downstream. This variant is expected to result in nonsense mediated decay, truncation, or a dysfunctional protein product. This variant is rare in the general population with a frequency below the threshold expected for the associated phenotype(s). Given the available evidence, this variant is classified as Likely Pathogenic.

Labcorp Genetics (formerly Invitae), Labcorp
Classification: Pathogenic for Mucopolysaccharidosis type 6. Last evaluated: 2023-09-22. Review status: criteria provided, single submitter. Criteria: Invitae Variant Classification Sherloc (09022015). Collection method: clinical testing. Allele origin: germline.
Comment: For these reasons, this variant has been classified as Pathogenic. ClinVar contains an entry for this variant (Variation ID: 559673). This premature translational stop signal has been observed in individual(s) with mucopolysaccharidosis type VI (PMID: 17458871). This variant is not present in population databases (gnomAD no frequency). This sequence change creates a premature translational stop signal (p.Ser37Profs*15) in the ARSB gene. It is expected to result in an absent or disrupted protein product. Loss-of-function variants in ARSB are known to be pathogenic (PMID: 17458871, 22133300).

Baylor Genetics
Classification: Likely pathogenic for Mucopolysaccharidosis type 6. Last evaluated: 2022-03-22. Review status: criteria provided, single submitter. Criteria: ACMG Guidelines, 2015. Collection method: clinical testing. Allele origin: unknown.

Laboratory of Diagnosis and Therapy of Lysosomal Disorders, University of Padova
Classification: Likely pathogenic for Mucopolysaccharidosis type 6. Last evaluated: 2018-01-01. Review status: criteria provided, single submitter. Criteria: ACMG Guidelines, 2015. Collection method: curation. Allele origin: germline. Affected: yes.
Comment: Frameshift variant(PVS1); Absent from GnomAD (PM2)

Literature cited by the submitters: PubMed 17458871 (cited by Labcorp Genetics (formerly Invitae), Labcorp and Laboratory of Diagnosis and Therapy of Lysosomal Disorders, University of Padova); PubMed 22133300 (cited by Labcorp Genetics (formerly Invitae), Labcorp); PubMed 30118150 (cited by Laboratory of Diagnosis and Therapy of Lysosomal Disorders, University of Padova).

NM_000046.5(ARSB):c.108_120del (p.Ser37fs)

Genes: ARSB (arylsulfatase B; minus strand), LOC129994126 (ATAC-STARR-seq lymphoblastoid silent region 16127; plus strand). Cytogenetic location: 5q14.1.
Variant type: Deletion.
Coding change: c.108_120del on transcript NM_000046.5 (MANE Select); coding-DNA positions 108 to 120, 13 bases deleted (CTCGGGCGCCGGG).
Protein change: p.Ser37fs; shifts the reading frame from serine 37.
Molecular consequence: frameshift variant.
Genome position (GRCh38, 1-based): chr5:78,985,129-78,985,141, CCCGGCGCCCGAG deleted on the plus strand (CTCGGGCGCCGGG on the coding strand, the reverse complement: ARSB is on the minus strand); deleting any 13 consecutive bases within chr5:78,985,129-78,985,148 gives the same sequence; the c. name uses the placement nearest the transcript's 3' end. VCF-style (leftmost placement, unchanged base first): chr5-78985128-CCCCGGCGCCCGAG-C. GRCh37 (hg19) VCF-style: chr5-78280951-CCCCGGCGCCCGAG-C.
Other names: c.108_120del, p.Ser37fs (NM_198709.3); short protein forms S37fs.
Identifiers: ClinVar variation 559673 (VCV000559673.7), dbSNP rs1028653411, ClinGen allele CA121117853.